The following is an entry in ClinVar:

ClinVar aggregate classification (germline): Uncertain significance (1 of 4 stars; one submission).

Conditions:
Immunodeficiency. Identifiers: MedGen C0021051, MONDO:0021094, HP:0002721.

Allele frequency attached by ClinVar (database versions not stated): gnomAD exomes below 0.00001; ExAC 0.00001.

Submission:

Labcorp Genetics (formerly Invitae), Labcorp
Classification: Uncertain significance for Immunodeficiency. Last evaluated: 2024-02-24. Review status: criteria provided, single submitter. Criteria: Invitae Variant Classification Sherloc (09022015). Collection method: clinical testing. Allele origin: germline.
Comment: This sequence change replaces glutamine, which is neutral and polar, with proline, which is neutral and non-polar, at codon 438 of the NFAT5 protein (p.Gln438Pro). This variant is present in population databases (rs758346739, gnomAD 0.006%). This variant has not been reported in the literature in individuals affected with NFAT5-related conditions. ClinVar contains an entry for this variant (Variation ID: 1379861). An algorithm developed to predict the effect of missense changes on protein structure and function (PolyPhen-2) suggests that this variant is likely to be disruptive. In summary, the available evidence is currently insufficient to determine the role of this variant in disease. Therefore, it has been classified as a Variant of Uncertain Significance.

NM_138713.4(NFAT5):c.1595A>C (p.Gln532Pro)

Gene: NFAT5 (nuclear factor of activated T cells 5; plus strand). Cytogenetic location: 16q22.1.
Variant type: single nucleotide variant.
Coding change: c.1595A>C on transcript NM_138713.4 (MANE Select); coding-DNA position 1595, A replaced by C.
Protein change: p.Gln532Pro; replaces glutamine 532 with proline.
Molecular consequence: missense variant.
Genome position (GRCh38, 1-based): chr16:69,677,240, A>C. VCF-style: chr16-69677240-A-C. GRCh37 (hg19) VCF-style: chr16-69711143-A-C.
Other names: c.1595A>C, p.Gln532Pro (NM_001113178.3); c.923A>C, p.Gln308Pro (NM_001367709.1); c.1541A>C, p.Gln514Pro (NM_006599.4); c.1313A>C, p.Gln438Pro (NM_138714.4, NM_173214.3, NM_173215.3); short protein forms Q532P, Q308P, Q438P, Q514P.
Identifiers: ClinVar variation 1379861 (VCV001379861.8), dbSNP rs758346739, ClinGen allele CA8135594.